The following is an entry in ClinVar:

NM_001382567.1(STIM1):c.1300G>A (p.Glu434Lys)

Gene: STIM1 (stromal interaction molecule 1; plus strand). Cytogenetic location: 11p15.4.
Variant type: single nucleotide variant.
Coding change: c.1300G>A on transcript NM_001382567.1 (MANE Select); coding-DNA position 1300, G replaced by A.
Protein change: p.Glu434Lys; replaces glutamic acid 434 with lysine.
Molecular consequence: missense variant. On other transcripts: non-coding transcript variant (2).
Genome position (GRCh38, 1-based): chr11:4,083,324, G>A. VCF-style: chr11-4083324-G-A. GRCh37 (hg19) VCF-style: chr11-4104554-G-A.
Other names: c.1300G>A, p.Glu434Lys (NM_001277961.3, NM_001277962.2, NM_003156.4); c.1078G>A, p.Glu360Lys (NM_001382566.1, NM_001382573.1, NM_001382575.1 and 4 more transcripts); c.1321G>A, p.Glu441Lys (NM_001382568.1); c.1165G>A, p.Glu389Lys (NM_001382569.1); c.1072G>A, p.Glu358Lys (NM_001382570.1); c.820G>A, p.Glu274Lys (NM_001382571.1); c.811G>A, p.Glu271Lys (NM_001382580.1, NM_001382581.1); short protein forms E441K, E271K, E274K, E358K, E360K, E434K, E389K.
Identifiers: ClinVar variation 1972229 (VCV001972229.5), dbSNP rs1367717016, ClinGen allele CA379194160.
Genomic context (GRCh38, chr11:4,083,324, plus strand): 5'-CAAGCACTGAGCGAGGTGACAGCAGCATTGCGGGAGCGCCTGCACCGCTGGCAACAGATC[G>A]AGATCCTCTGTGGCTTCCAGATTGTCAACAACCCTGGCATCCACTCACTGGTGGCTGCCC-3'
Protein context (NP_001369496.1, residues 424-444): RERLHRWQQI[Glu434Lys]ILCGFQIVNN

ClinVar aggregate classification (germline): Uncertain significance (1 of 4 stars; one submission).

Conditions:
Myopathy with tubular aggregates (TAM). Also called: Tubular Aggregate Myopathy. Identifiers: Orphanet 2593, MedGen C0410207, MONDO:0008051.
Combined immunodeficiency due to STIM1 deficiency. Also called: STIM1 DEFICIENCY; IMMUNODEFICIENCY 10. Identifiers: Orphanet 169090, Orphanet 317430, MedGen C2748557, MONDO:0013008, OMIM 612783.
Stormorken syndrome (STRMK). Also called: THROMBOCYTOPATHY, ASPLENIA, AND MIOSIS. Identifiers: Orphanet 3204, MedGen C1861451, MONDO:0008497, OMIM 185070.

Allele frequency attached by ClinVar (database versions not stated): gnomAD exomes below 0.00001; gnomAD 0.00001; TOPMed below 0.00001.
gnomAD v4.1: 3 of 1,614,132 alleles (0.00019%); highest among the groups gnomAD compares: Non-Finnish European, 0.00025%; no homozygotes.

Submission:

Labcorp Genetics (formerly Invitae), Labcorp
Classification: Uncertain significance for Myopathy with tubular aggregates; Combined immunodeficiency due to STIM1 deficiency; Stormorken syndrome. Last evaluated: 2025-02-03. Review status: criteria provided, single submitter. Criteria: Invitae Variant Classification Sherloc (09022015). Collection method: clinical testing. Allele origin: germline.
Comment: This sequence change replaces glutamic acid, which is acidic and polar, with lysine, which is basic and polar, at codon 434 of the STIM1 protein (p.Glu434Lys). This variant is not present in population databases (gnomAD no frequency). This variant has not been reported in the literature in individuals affected with STIM1-related conditions. ClinVar contains an entry for this variant (Variation ID: 1972229). Invitae Evidence Modeling of protein sequence and biophysical properties (such as structural, functional, and spatial information, amino acid conservation, physicochemical variation, residue mobility, and thermodynamic stability) has been performed for this missense variant. However, the output from this modeling did not meet the statistical confidence thresholds required to predict the impact of this variant on STIM1 protein function. Experimental studies have shown that this missense change does not substantially affect STIM1 function (PMID: 32098964). In summary, the available evidence is currently insufficient to determine the role of this variant in disease. Therefore, it has been classified as a Variant of Uncertain Significance.

Literature cited by the submitters: PubMed 32098964.